The following is an entry in ClinVar:

NM_000412.5(HRG):c.1306G>A (p.Gly436Arg)

Gene: HRG (histidine rich glycoprotein; plus strand). Cytogenetic location: 3q27.3.
Variant type: single nucleotide variant.
Coding change: c.1306G>A on transcript NM_000412.5 (MANE Select); coding-DNA position 1306, G replaced by A.
Protein change: p.Gly436Arg; replaces glycine 436 with arginine.
Molecular consequence: missense variant.
Genome position (GRCh38, 1-based): chr3:186,677,611, G>A. VCF-style: chr3-186677611-G-A. GRCh37 (hg19) VCF-style: chr3-186395400-G-A.
Other names: p.Gly436Arg; c.1306G>A (NM_000412.4); short protein forms G436R.
Identifiers: ClinVar variation 809589 (VCV000809589.38), dbSNP rs2229331, ClinGen allele CA2745915.

ClinVar aggregate classification (germline): Conflicting classifications of pathogenicity. Review status: criteria provided, conflicting classifications (1 of 4 stars). 4 submissions from 4 submitters: Uncertain significance (1); Likely benign (2). 1 of the submissions does not count toward it. Last evaluated 2026-01-01.

Conditions:
HRG-related disorder. Also called: HRG-related condition.

Allele frequency attached by ClinVar (database versions not stated): gnomAD exomes 0.00384 and 0.00558; ExAC 0.00390; gnomAD 0.00415 and 0.00440; ESP Exome Variant Server 0.00431; 1000 Genomes Project 0.00060; 1000 Genomes Project 30x 0.00062; TOPMed 0.00380.
gnomAD v4.1: 8,711 of 1,614,060 alleles (0.54%); highest among the groups gnomAD compares: Non-Finnish European, 0.65%; 38 homozygotes.

Submissions (4):

CeGaT Center for Human Genetics Tuebingen
Classification: Likely benign. Last evaluated: 2026-01-01. Review status: criteria provided, single submitter. Criteria: CeGaT Center For Human Genetics Tuebingen Variant Classification Criteria Version 2. Collection method: clinical testing. Allele origin: germline. Affected: yes. Observed: 7 variant alleles.
Comment: HRG: BP4, BS2

Mayo Clinic Laboratories, Mayo Clinic
Classification: Likely benign. Last evaluated: 2023-09-22. Review status: criteria provided, single submitter. Criteria: ACMG Guidelines, 2015. Collection method: clinical testing. Allele origin: germline. Observed: 2 variant alleles.
Comment: BS2, BP4

Breakthrough Genomics
Classification: Uncertain significance. Review status: criteria provided, single submitter. Criteria: ACMG Guidelines, 2015. Collection method: not provided. Allele origin: germline. Inheritance: Autosomal dominant inheritance. Affected: yes.

PreventionGenetics, part of Exact Sciences
Classification: Benign for HRG-related condition. Last evaluated: 2020-11-10. Review status: no assertion criteria provided. Collection method: clinical testing. Allele origin: germline. Not counted in ClinVar's aggregate classification.
Comment: This variant is classified as benign based on ACMG/AMP sequence variant interpretation guidelines (Richards et al. 2015 PMID: 25741868, with internal and published modifications).